The following is an entry in ClinVar:

ClinVar aggregate classification (germline): Uncertain significance (1 of 4 stars; one submission).

Conditions:
Tuberous sclerosis syndrome (TSC). Also called: Tuberous Sclerosis Complex; Tuberous sclerosis. Identifiers: Orphanet 805, MedGen C0041341, MONDO:0001734.

Submission:

All of Us Research Program, National Institutes of Health
Classification: Uncertain significance for Tuberous sclerosis syndrome. Last evaluated: 2023-09-17. Review status: criteria provided, single submitter. Criteria: ACMG Guidelines, 2015. Collection method: clinical testing. Allele origin: germline. Inheritance: Autosomal dominant inheritance. Observed: 1 variant allele, 1 heterozygote.
Comment: This variant causes a G to C nucleotide substitution at the +1 position of intron 32 of the TSC2 gene. Splice site prediction tools predict that this variant may have a significant impact on RNA splicing. However, multiple splice site variants at this position in exon 32 have been classified as Variants of Uncertain Significance due to alternative splicing of exon 31, equivalent to exon 32 by alternate numbering (PMID: 26703369; ClinVar variation ID: 1021490, 1314110). To our knowledge, functional studies have not been reported for this variant. This variant has not been reported in individuals affected with TSC2-related disorders in the literature. This variant has not been identified in the general population by the Genome Aggregation Database (gnomAD). The available evidence is insufficient to determine the role of this variant in disease conclusively. Therefore, this variant is classified as a Variant of Uncertain Significance.

This study involves interpretation of variants in research participants for the purpose of population health screening. Participant phenotype was not available at the time of variant classification. Additional details can be found in publication PMID: 35346344, PMCID: PMC8962531

Literature cited by the submitters: PubMed 26703369.

NM_000548.5(TSC2):c.3883+1G>C

Gene: TSC2 (TSC complex subunit 2; plus strand). Cytogenetic location: 16p13.3.
Variant type: single nucleotide variant.
Coding change: c.3883+1G>C on transcript NM_000548.5 (MANE Select); the canonical splice donor site of the intron after coding-DNA position 3883, G replaced by C.
Molecular consequence: splice donor variant. On other transcripts: missense variant (1), intron variant (33).
Genome position (GRCh38, 1-based): chr16:2,082,505, G>C. VCF-style: chr16-2082505-G-C. GRCh37 (hg19) VCF-style: chr16-2132506-G-C.
Other names: c.3752G>C, p.Gly1251Ala (NM_001406665.1); c.2341+707G>C (NM_001406693.1, NM_001406692.1, NM_001406694.1); c.3775+707G>C (NM_001406667.1); c.3772+707G>C (NM_001406668.1); c.3283+1G>C (NM_001406680.1); c.3214+707G>C (NM_001406683.1, NM_001406682.1); c.3082+707G>C (NM_001406687.1, NM_001406688.1); c.2470+707G>C (NM_001406689.1); and 26 more; short protein forms G1251A.
Identifiers: ClinVar variation 3073489 (VCV003073489.1), dbSNP rs2090268989, ClinGen allele CA394295342.
Genomic context (GRCh38, chr16:2,082,505, plus strand): 5'-TCTCCTCCCTGTACCAGTCCAGCTGCCAAGGACAGCTGCACAGGAGCGTTTCCTGGGCAG[G>C]TATCGCCTCTCAGAGGGAAGCGGTTGGCTGCAGAGCGCCACTCTGCCTCATAGGTGCTGT-3'